The following is an entry in ClinVar:

ClinVar aggregate classification (germline): Uncertain significance (1 of 4 stars; one submission).

Conditions:
Cardiovascular phenotype. Identifiers: MedGen CN230736.

Submission:

Ambry Genetics
Classification: Uncertain significance for Cardiovascular phenotype. Last evaluated: 2024-11-19. Review status: criteria provided, single submitter. Criteria: Ambry Variant Classification Scheme 2023. Collection method: clinical testing. Allele origin: germline.
Comment: The p.K942* variant (also known as c.2824A>T), located in coding exon 21 of the MYH7 gene, results from an A to T substitution at nucleotide position 2824. This changes the amino acid from a lysine to a stop codon within coding exon 21. This alteration is expected to result in protein truncation or nonsense-mediated mRNA decay. However, loss of function of MYH7 has not been established as a mechanism of disease. Based on the available evidence, the clinical significance of this alteration remains unclear.

NM_000257.4(MYH7):c.2824A>T (p.Lys942Ter)

Gene: MYH7 (myosin heavy chain 7; minus strand). Cytogenetic location: 14q11.2.
Variant type: single nucleotide variant.
Coding change: c.2824A>T on transcript NM_000257.4 (MANE Select); coding-DNA position 2824, A replaced by T.
Protein change: p.Lys942Ter; replaces lysine 942 with a stop codon.
Molecular consequence: nonsense.
Genome position (GRCh38, 1-based): chr14:23,424,005, T>A on the plus strand (A>T on the coding strand, the complement: MYH7 is on the minus strand). VCF-style: chr14-23424005-T-A. GRCh37 (hg19) VCF-style: chr14-23893214-T-A.
Other names: c.2824A>T, p.Lys942Ter (NM_001407004.1); short protein forms K942*.
Identifiers: ClinVar variation 3400949 (VCV003400949.1).